The following is an entry in ClinVar:

NM_017514.5(PLXNA3):c.3537A>G (p.Thr1179=)

Gene: PLXNA3 (plexin A3; plus strand). Cytogenetic location: Xq28.
Variant type: single nucleotide variant.
Coding change: c.3537A>G on transcript NM_017514.5 (MANE Select); coding-DNA position 3537, A replaced by G.
Protein change: p.Thr1179=; no amino-acid change (threonine 1179 retained).
Molecular consequence: synonymous variant.
Genome position (GRCh38, 1-based): chrX:154,467,640, A>G. VCF-style: chrX-154467640-A-G. GRCh37 (hg19) VCF-style: chrX-153695983-A-G.
Identifiers: ClinVar variation 4983316 (VCV004983316.1).
Genomic context (GRCh38, chrX:154,467,640, plus strand): 5'-CCGCCTCAACTACACTGTGCTGATAGGAGGCCAGCCGTGTTCGCTCACTGTCTCGGACAC[A>G]CAACTCCTGTGCGACTCACCCAGCCAGACTGGCCGGCAGCCTGTCATGGTAGGTGGGGAT-3'
Protein context (NP_059984.3, residues 1169-1189): GQPCSLTVSD[Thr1179=]QLLCDSPSQT

ClinVar aggregate classification (germline): Likely benign (1 of 4 stars; one submission).

Conditions:
PLXNA3-related disorder. Also called: PLXNA3-related condition.

gnomAD v4.1: 2 of 1,208,501 alleles (0.00017%); highest among the groups gnomAD compares: African/African-American, 0.0035%; no homozygotes.

Submission:

PreventionGenetics, part of Exact Sciences
Classification: Likely benign for PLXNA3-related condition. Last evaluated: 2025-07-03. Review status: criteria provided, single submitter. Criteria: ACMG Guidelines, 2015. Collection method: clinical testing. Allele origin: germline.
Comment: This variant is classified as likely benign based on ACMG/AMP sequence variant interpretation guidelines (Richards et al. 2015 PMID: 25741868, with internal and published modifications).